The following is an entry in ClinVar:

ClinVar aggregate classification (germline): Uncertain significance. Review status: criteria provided, multiple submitters, no conflicts (2 of 4 stars). 3 submissions from 3 submitters: Uncertain significance (3). Last evaluated 2025-03-27.

Conditions:
Hereditary sensory and autonomic neuropathy type 6. Also called: Neuropathy, hereditary sensory and autonomic, type VI; HSAN VI. Identifiers: Orphanet 314381, MedGen C3539003, MONDO:0013839, OMIM 614653.
Epidermolysis bullosa simplex 3, localized or generalized intermediate, with BP230 deficiency (EBS3). Also called: Epidermolysis bullosa simplex, autosomal recessive 2; Epidermolysis bullosa simplex due to BP230 deficiency. Identifiers: Orphanet 412181, MedGen C3809470, MONDO:0014180, OMIM 615425.

Allele frequency attached by ClinVar (database versions not stated): gnomAD exomes 0.00001.
gnomAD v4.1: 8 of 1,509,910 alleles (0.00053%); highest among the groups gnomAD compares: South Asian, 0.0014%; no homozygotes.

Submissions (3):

Mayo Clinic Laboratories, Mayo Clinic
Classification: Uncertain significance. Last evaluated: 2025-03-27. Review status: criteria provided, single submitter. Criteria: ACMG Guidelines, 2015. Collection method: clinical testing. Allele origin: germline. Observed: 2 variant alleles.
Comment: BP4_moderate

Labcorp Genetics (formerly Invitae), Labcorp
Classification: Uncertain significance for Epidermolysis bullosa simplex 3, localized or generalized intermediate, with BP230 deficiency; Hereditary sensory and autonomic neuropathy type 6. Last evaluated: 2024-02-24. Review status: criteria provided, single submitter. Criteria: Invitae Variant Classification Sherloc (09022015). Collection method: clinical testing. Allele origin: germline.
Comment: The DST gene has multiple clinically relevant transcripts. This variant occurs in alternate transcript NM_015548.4, and corresponds to NM_001723.5:c.*43397G>A in the primary transcript. This sequence change replaces methionine, which is neutral and non-polar, with isoleucine, which is neutral and non-polar, at codon 1944 of the DST protein (p.Met1944Ile). This variant is not present in population databases (gnomAD no frequency). This variant has not been reported in the literature in individuals affected with DST-related conditions. Experimental studies and prediction algorithms are not available or were not evaluated, and the functional significance of this variant is currently unknown. In summary, the available evidence is currently insufficient to determine the role of this variant in disease. Therefore, it has been classified as a Variant of Uncertain Significance.

CeGaT Center for Human Genetics Tuebingen
Classification: Uncertain significance. Last evaluated: 2017-05-01. Review status: criteria provided, single submitter. Criteria: CeGaT Center For Human Genetics Tuebingen Variant Classification Criteria Version 2. Collection method: clinical testing. Allele origin: germline. Affected: yes. Observed: 1 variant allele.

NM_001374736.1(DST):c.13701G>A (p.Met4567Ile)

Gene: DST (dystonin; minus strand). Cytogenetic location: 6p12.1.
Variant type: single nucleotide variant.
Coding change: c.13701G>A on transcript NM_001374736.1 (MANE Select); coding-DNA position 13701, G replaced by A.
Protein change: p.Met4567Ile; replaces methionine 4567 with isoleucine.
Molecular consequence: missense variant.
Genome position (GRCh38, 1-based): chr6:56,572,120, C>T on the plus strand (G>A on the coding strand, the complement: DST is on the minus strand). VCF-style: chr6-56572120-C-T. GRCh37 (hg19) VCF-style: chr6-56436918-C-T.
Other names: p.Met1944Ile; c.7344G>A, p.Met2448Ile (NM_001144769.5); c.6930G>A, p.Met2310Ile (NM_001144770.2); c.13701G>A, p.Met4567Ile (NM_001374722.1); c.13068G>A, p.Met4356Ile (NM_001374729.1); c.6810G>A, p.Met2270Ile (NM_001374730.1, NM_183380.4); c.13728G>A, p.Met4576Ile (NM_001374734.1); c.5832G>A, p.Met1944Ile (NM_015548.5); short protein forms M4567I, M1944I, M2270I, M2310I, M2448I, M4356I, M4576I.
Identifiers: ClinVar variation 809957 (VCV000809957.46), dbSNP rs1445711960, ClinGen allele CA364526139.